The following is an entry in ClinVar:

NM_001845.6(COL4A1):c.2551C>G (p.Pro851Ala)

Gene: COL4A1 (collagen type IV alpha 1 chain; minus strand). Cytogenetic location: 13q34.
Variant type: single nucleotide variant.
Coding change: c.2551C>G on transcript NM_001845.6 (MANE Select); coding-DNA position 2551, C replaced by G.
Protein change: p.Pro851Ala; replaces proline 851 with alanine.
Molecular consequence: missense variant.
Genome position (GRCh38, 1-based): chr13:110,178,139, G>C on the plus strand (C>G on the coding strand, the complement: COL4A1 is on the minus strand). VCF-style: chr13-110178139-G-C. GRCh37 (hg19) VCF-style: chr13-110830486-G-C.
Other names: short protein forms P851A.
Identifiers: ClinVar variation 3375707 (VCV003375707.1).

ClinVar aggregate classification (germline): Uncertain significance (1 of 4 stars; one submission).

Submission:

GeneDx
Classification: Uncertain significance. Last evaluated: 2024-05-09. Review status: criteria provided, single submitter. Criteria: GeneDx Variant Classification Process June 2021. Collection method: clinical testing. Allele origin: germline. Affected: yes.
Comment: Not observed at significant frequency in large population cohorts (gnomAD); In silico analysis supports that this missense variant has a deleterious effect on protein structure/function; Occurs in the triple helical domain at the Y position in the canonical Gly-X-Y repeat; although this variant may have an effect on normal protein folding and function, missense substitution at the Y position is not a common mechanism of disease; Has not been previously published as pathogenic or benign to our knowledge